The following is an entry in ClinVar:

ClinVar aggregate classification (germline): Uncertain significance (1 of 4 stars; one submission).

Conditions:
MACF1-related disorder. Also called: MACF1-related condition.

Submission:

PreventionGenetics, part of Exact Sciences
Classification: Uncertain significance for MACF1-related condition. Last evaluated: 2025-08-05. Review status: criteria provided, single submitter. Criteria: ACMG Guidelines, 2015. Collection method: clinical testing. Allele origin: germline.
Comment: The MACF1 c.7766G>A variant is predicted to result in the amino acid substitution p.Ser2589Asn. To our knowledge, this variant has not been reported in the literature or in a large population database (gnomAD), indicating this variant is rare. At this time, the clinical significance of this variant is uncertain due to the absence of conclusive functional and genetic evidence.

NM_001394062.1(MACF1):c.13952G>A (p.Ser4651Asn)

Gene: MACF1 (microtubule actin crosslinking factor 1; plus strand). Cytogenetic location: 1p34.3.
Variant type: single nucleotide variant.
Coding change: c.13952G>A on transcript NM_001394062.1 (MANE Select); coding-DNA position 13952, G replaced by A.
Protein change: p.Ser4651Asn; replaces serine 4651 with asparagine.
Molecular consequence: missense variant.
Genome position (GRCh38, 1-based): chr1:39,385,537, G>A. VCF-style: chr1-39385537-G-A. GRCh37 (hg19) VCF-style: chr1-39851209-G-A.
Other names: c.7766G>A, p.Ser2589Asn (NM_012090.5); short protein forms S2589N, S4651N.
Identifiers: ClinVar variation 2630045 (VCV002630045.2), dbSNP rs2522622289, ClinGen allele CA339834604.